The following is an entry in ClinVar:

ClinVar aggregate classification (germline): Pathogenic (1 of 4 stars; one submission).

Conditions:
Cardiovascular phenotype. Identifiers: MedGen CN230736.
Hereditary cancer-predisposing syndrome. Also called: Neoplastic Syndromes, Hereditary; Tumor predisposition; Hereditary Cancer Syndrome; Hereditary neoplastic syndrome. Identifiers: Orphanet 140162, MedGen C0027672, MeSH D009386, MONDO:0015356.

Submission:

Ambry Genetics
Classification: Pathogenic for Cardiovascular phenotype; Hereditary cancer-predisposing syndrome. Last evaluated: 2025-10-08. Review status: criteria provided, single submitter. Criteria: Ambry Variant Classification Scheme 2023. Collection method: clinical testing. Allele origin: germline.
Comment: The c.3968dupC pathogenic mutation, located in coding exon 29 of the NF1 gene, results from a duplication of C at nucleotide position 3968, causing a translational frameshift with a predicted alternate stop codon (p.T1324Yfs*10). This variant is considered to be rare based on population cohorts in the Genome Aggregation Database (gnomAD). This alteration is expected to result in loss of function by premature protein truncation or nonsense-mediated mRNA decay. As such, this alteration is interpreted as a disease-causing mutation.

NM_001042492.3(NF1):c.3968dup (p.Thr1324fs)

Gene: NF1 (neurofibromin 1; plus strand). Cytogenetic location: 17q11.2.
Variant type: Duplication.
Coding change: c.3968dup on transcript NM_001042492.3 (MANE Select); coding-DNA position 3968, one base duplicated (C; older notation c.3968dupC).
Protein change: p.Thr1324fs; shifts the reading frame from threonine 1324.
Molecular consequence: frameshift variant.
Genome position (GRCh38, 1-based): chr17:31,236,015, C duplicated; the last of 2 consecutive C bases (chr17:31,236,014-31,236,015); duplicating either gives the same sequence. VCF-style (leftmost placement, unchanged base first): chr17-31236013-T-TC. GRCh37 (hg19) VCF-style: chr17-29563031-T-TC.
Other names: c.3968dup, p.Thr1324fs (NM_000267.4); c.3968dupC (NM_000267.3); short protein forms T1324fs.
Identifiers: ClinVar variation 4615737 (VCV004615737.1).